The following is an entry in ClinVar:

ClinVar aggregate classification (germline): Likely benign. Review status: criteria provided, multiple submitters, no conflicts (2 of 4 stars). 2 submissions from 2 submitters: Likely benign (2). Last evaluated 2023-10-08.

Conditions:
Hereditary cancer-predisposing syndrome. Also called: Hereditary neoplastic syndrome; Hereditary Cancer Syndrome; Neoplastic Syndromes, Hereditary; Tumor predisposition. Identifiers: Orphanet 140162, MedGen C0027672, MeSH D009386, MONDO:0015356.

Allele frequency attached by ClinVar (database versions not stated): gnomAD exomes below 0.00001.
gnomAD v4.1: 3 of 1,613,694 alleles (0.00019%); highest among the groups gnomAD compares: Non-Finnish European, 0.00025%; no homozygotes.

Submissions (2):

Ambry Genetics
Classification: Likely benign for Hereditary cancer-predisposing syndrome. Last evaluated: 2023-10-08. Review status: criteria provided, single submitter. Criteria: Ambry Variant Classification Scheme 2023. Collection method: clinical testing. Allele origin: germline.

GeneDx
Classification: Likely benign. Last evaluated: 2017-05-22. Review status: criteria provided, single submitter. Criteria: GeneDx Variant Classification (06012015). Collection method: clinical testing. Allele origin: germline. Affected: yes.
Comment: This variant is considered likely benign or benign based on one or more of the following criteria: it is a conservative change, it occurs at a poorly conserved position in the protein, it is predicted to be benign by multiple in silico algorithms, and/or has population frequency not consistent with disease.

NM_005431.2(XRCC2):c.327A>G (p.Lys109=)

Gene: XRCC2 (X-ray repair cross complementing 2; minus strand). Cytogenetic location: 7q36.1.
Variant type: single nucleotide variant.
Coding change: c.327A>G on transcript NM_005431.2 (MANE Select); coding-DNA position 327, A replaced by G.
Protein change: p.Lys109=; no amino-acid change (lysine 109 retained).
Molecular consequence: synonymous variant.
Genome position (GRCh38, 1-based): chr7:152,649,158, T>C on the plus strand (A>G on the coding strand, the complement: XRCC2 is on the minus strand). VCF-style: chr7-152649158-T-C. GRCh37 (hg19) VCF-style: chr7-152346243-T-C.
Identifiers: ClinVar variation 509752 (VCV000509752.2), dbSNP rs1554410529, ClinGen allele CA458895613.